The following is an entry in ClinVar:

NM_000815.5(GABRD):c.604C>T (p.His202Tyr)

Gene: GABRD (gamma-aminobutyric acid type A receptor subunit delta; plus strand). Cytogenetic location: 1p36.33.
Variant type: single nucleotide variant.
Coding change: c.604C>T on transcript NM_000815.5 (MANE Select); coding-DNA position 604, C replaced by T.
Protein change: p.His202Tyr; replaces histidine 202 with tyrosine.
Molecular consequence: missense variant.
Genome position (GRCh38, 1-based): chr1:2,028,205, C>T. VCF-style: chr1-2028205-C-T. GRCh37 (hg19) VCF-style: chr1-1959644-C-T.
Other names: short protein forms H202Y.
Identifiers: ClinVar variation 3573866 (VCV003573866.1).

ClinVar aggregate classification (germline): Uncertain significance (1 of 4 stars; one submission).

Submission:

GeneDx
Classification: Uncertain significance. Last evaluated: 2024-07-18. Review status: criteria provided, single submitter. Criteria: GeneDx Variant Classification Process June 2021. Collection method: clinical testing. Allele origin: germline. Affected: yes.
Comment: Not observed at significant frequency in large population cohorts (gnomAD); In silico analysis indicates that this missense variant does not alter protein structure/function; Has not been previously published as pathogenic or benign to our knowledge